The following is an entry in ClinVar:

ClinVar aggregate classification (germline): Pathogenic. Review status: criteria provided, multiple submitters, no conflicts (2 of 4 stars). 2 submissions from 2 submitters: Pathogenic (2). Last evaluated 2024-07-17.

Conditions:
Duchenne muscular dystrophy (DMD). Also called: Duchenne Muscular Dystrophy (DMD); MUSCULAR DYSTROPHY, PSEUDOHYPERTROPHIC PROGRESSIVE, DUCHENNE TYPE. Identifiers: Orphanet 98896, MedGen C0013264, MONDO:0010679, OMIM 310200.

Submissions (2):

Labcorp Genetics (formerly Invitae), Labcorp
Classification: Pathogenic for Duchenne muscular dystrophy. Last evaluated: 2024-07-17. Review status: criteria provided, single submitter. Criteria: Invitae Variant Classification Sherloc (09022015). Collection method: clinical testing. Allele origin: germline.
Comment: This sequence change creates a premature translational stop signal (p.Gln1756*) in the DMD gene. It is expected to result in an absent or disrupted protein product. Loss-of-function variants in DMD are known to be pathogenic (PMID: 16770791, 25007885). This variant is not present in population databases (gnomAD no frequency). This premature translational stop signal has been observed in individuals with Duchenne muscular dystrophy and either Becker or Duchenne muscular dystrophy (PMID: 16049303, 16566881). ClinVar contains an entry for this variant (Variation ID: 526093). For these reasons, this variant has been classified as Pathogenic.

Baylor Genetics
Classification: Pathogenic for Duchenne muscular dystrophy. Last evaluated: 2020-03-19. Review status: criteria provided, single submitter. Criteria: ACMG Guidelines, 2015. Collection method: clinical testing. Allele origin: de novo. Affected: yes.
Comment: This variant was determined to be pathogenic according to ACMG Guidelines, 2015 [PMID:25741868].

Literature cited by the submitters: PubMed 16770791 (cited by Labcorp Genetics (formerly Invitae), Labcorp); PubMed 25007885 (cited by Labcorp Genetics (formerly Invitae), Labcorp); PubMed 16049303 (cited by Labcorp Genetics (formerly Invitae), Labcorp); PubMed 16566881 (cited by Labcorp Genetics (formerly Invitae), Labcorp).

NM_004006.3(DMD):c.5266C>T (p.Gln1756Ter)

Gene: DMD (dystrophin; minus strand). Cytogenetic location: Xp21.1.
Variant type: single nucleotide variant.
Coding change: c.5266C>T on transcript NM_004006.3 (MANE Select); coding-DNA position 5266, C replaced by T.
Protein change: p.Gln1756Ter; replaces glutamine 1756 with a stop codon.
Molecular consequence: nonsense.
Genome position (GRCh38, 1-based): chrX:32,362,847, G>A on the plus strand (C>T on the coding strand, the complement: DMD is on the minus strand). VCF-style: chrX-32362847-G-A. GRCh37 (hg19) VCF-style: chrX-32380964-G-A.
Other names: c.5242C>T, p.Gln1748Ter (NM_000109.4); c.5254C>T, p.Gln1752Ter (NM_004009.3); c.4897C>T, p.Gln1633Ter (NM_004010.3); c.1243C>T, p.Gln415Ter (NM_004011.4); c.1234C>T, p.Gln412Ter (NM_004012.4); short protein forms Q1756*, Q1752*, Q1748*, Q415*, Q1633*, Q412*.
Identifiers: ClinVar variation 526093 (VCV000526093.11), dbSNP rs1557303544, ClinGen allele CA412671117.